The following is an entry in ClinVar:

ClinVar aggregate classification (germline): Pathogenic. Review status: criteria provided, multiple submitters, no conflicts (2 of 4 stars). 4 submissions from 4 submitters: Pathogenic (4). Last evaluated 2025-04-29.

Conditions:
Neurofibromatosis, type 1 (NF1). Also called: VON RECKLINGHAUSEN DISEASE; Neurofibromatosis, type I; NEUROFIBROMATOSIS, TYPE I, SOMATIC; Peripheral type neurofibromatosis. Identifiers: Orphanet 636, MedGen C0027831, MONDO:0018975, OMIM 162200. Disease mechanism: loss of function.
Neurofibromatosis-Noonan syndrome (NFNS). Also called: NEUROFIBROMATOSIS WITH NOONAN PHENOTYPE. Identifiers: Orphanet 638, MedGen C2931482, MONDO:0011035, OMIM 601321. Disease mechanism: loss of function.

Submissions (4):

Institute of Medical Genetics and Applied Genomics, University Hospital Tübingen
Classification: Pathogenic for Neurofibromatosis-Noonan syndrome. Last evaluated: 2025-04-29. Review status: criteria provided, single submitter. Criteria: ACMG Guidelines, 2015. Collection method: clinical testing. Allele origin: germline. Inheritance: Autosomal dominant inheritance. Affected: yes.

Genome-Nilou Lab
Classification: Pathogenic for Neurofibromatosis, type 1. Last evaluated: 2022-03-15. Review status: criteria provided, single submitter. Criteria: ACMG Guidelines, 2015. Collection method: clinical testing. Allele origin: germline. Affected: no.

Mendelics
Classification: Pathogenic for Neurofibromatosis, type 1. Last evaluated: 2019-05-28. Review status: criteria provided, single submitter. Criteria: Mendelics Assertion Criteria 2017. Collection method: clinical testing. Allele origin: unknown.

Labcorp Genetics (formerly Invitae), Labcorp
Classification: Pathogenic for Neurofibromatosis, type 1. Last evaluated: 2018-07-15. Review status: criteria provided, single submitter. Criteria: Invitae Variant Classification Sherloc (09022015). Collection method: clinical testing. Allele origin: germline.
Comment: This sequence change creates a premature translational stop signal (p.Ser1813*) in the NF1 gene. It is expected to result in an absent or disrupted protein product. This variant is not present in population databases (ExAC no frequency). This variant has not been reported in the literature in individuals with NF1-related disease. Loss-of-function variants in NF1 are known to be pathogenic (PMID: 10712197, 23913538). For these reasons, this variant has been classified as Pathogenic.

Literature cited by the submitters: PubMed 10712197 (cited by Labcorp Genetics (formerly Invitae), Labcorp); PubMed 23913538 (cited by Labcorp Genetics (formerly Invitae), Labcorp).

NM_001042492.3(NF1):c.5501C>G (p.Ser1834Ter)

Gene: NF1 (neurofibromin 1; plus strand). Cytogenetic location: 17q11.2.
Variant type: single nucleotide variant.
Coding change: c.5501C>G on transcript NM_001042492.3 (MANE Select); coding-DNA position 5501, C replaced by G.
Protein change: p.Ser1834Ter; replaces serine 1834 with a stop codon.
Molecular consequence: nonsense.
Genome position (GRCh38, 1-based): chr17:31,327,731, C>G. VCF-style: chr17-31327731-C-G. GRCh37 (hg19) VCF-style: chr17-29654749-C-G.
Other names: c.5438C>G, p.Ser1813Ter (NM_000267.4); short protein forms S1834*, S1813*.
Identifiers: ClinVar variation 647087 (VCV000647087.7), dbSNP rs1597832235, ClinGen allele CA399009622.